The following is an entry in ClinVar:

NM_001374828.1(ARID1B):c.1885C>T (p.Pro629Ser)

Gene: ARID1B (AT-rich interaction domain 1B; plus strand). Cytogenetic location: 6q25.3.
Variant type: single nucleotide variant.
Coding change: c.1885C>T on transcript NM_001374828.1 (MANE Select); coding-DNA position 1885, C replaced by T.
Protein change: p.Pro629Ser; replaces proline 629 with serine.
Molecular consequence: missense variant.
Genome position (GRCh38, 1-based): chr6:156,829,320, C>T. VCF-style: chr6-156829320-C-T. GRCh37 (hg19) VCF-style: chr6-157150454-C-T.
Other names: c.1885C>T, p.Pro629Ser (NM_001371656.1, NM_001374820.1, NM_017519.3); short protein forms P629S.
Identifiers: ClinVar variation 3635178 (VCV003635178.2).

ClinVar aggregate classification (germline): Uncertain significance (1 of 4 stars; one submission).

gnomAD v4.1: 3 of 1,614,204 alleles (0.00019%); highest among the groups gnomAD compares: Admixed American, 0.0017%; no homozygotes.

Submission:

Labcorp Genetics (formerly Invitae), Labcorp
Classification: Uncertain significance. Last evaluated: 2025-01-21. Review status: criteria provided, single submitter. Criteria: Invitae Variant Classification Sherloc (09022015). Collection method: clinical testing. Allele origin: germline.
Comment: This sequence change replaces proline, which is neutral and non-polar, with serine, which is neutral and polar, at codon 546 of the ARID1B protein (p.Pro546Ser). This variant is not present in population databases (gnomAD no frequency). This variant has not been reported in the literature in individuals affected with ARID1B-related conditions. Invitae Evidence Modeling of protein sequence and biophysical properties (such as structural, functional, and spatial information, amino acid conservation, physicochemical variation, residue mobility, and thermodynamic stability) indicates that this missense variant is not expected to disrupt ARID1B protein function with a negative predictive value of 95%. In summary, the available evidence is currently insufficient to determine the role of this variant in disease. Therefore, it has been classified as a Variant of Uncertain Significance.